The following is an entry in ClinVar:

NM_001083961.2(WDR62):c.2210+301C>G

Gene: WDR62 (WD repeat domain 62; plus strand). Cytogenetic location: 19q13.12.
Variant type: single nucleotide variant.
Coding change: c.2210+301C>G on transcript NM_001083961.2 (MANE Select); 301 bases into the intron after coding-DNA position 2210, C replaced by G.
Molecular consequence: intron variant.
Genome position (GRCh38, 1-based): chr19:36,091,766, C>G. VCF-style: chr19-36091766-C-G. GRCh37 (hg19) VCF-style: chr19-36582668-C-G.
Other names: c.2210+301C>G (NM_173636.5).
Identifiers: ClinVar variation 667588 (VCV000667588.1), dbSNP rs10405023, ClinGen allele CA14660095.

ClinVar aggregate classification (germline): Benign (1 of 4 stars; one submission).

Allele frequency attached by ClinVar (database versions not stated): gnomAD 0.92949 and 0.92999; TOPMed 0.93047; 1000 Genomes Project 30x 0.94347; 1000 Genomes Project 0.94369.
gnomAD v4.1: 141,284 of 152,122 alleles (93%); highest among the groups gnomAD compares: East Asian, 100%; 65,694 homozygotes.

Submission:

GeneDx
Classification: Benign. Last evaluated: 2018-06-19. Review status: criteria provided, single submitter. Criteria: GeneDx Variant Classification (06012015). Collection method: clinical testing. Allele origin: germline. Affected: yes.
Comment: This variant is considered likely benign or benign based on one or more of the following criteria: it is a conservative change, it occurs at a poorly conserved position in the protein, it is predicted to be benign by multiple in silico algorithms, and/or has population frequency not consistent with disease.